The following is an entry in ClinVar:

NM_004360.5(CDH1):c.694T>A (p.Ser232Thr)

Gene: CDH1 (cadherin 1; plus strand). Cytogenetic location: 16q22.1.
Variant type: single nucleotide variant.
Coding change: c.694T>A on transcript NM_004360.5 (MANE Select); coding-DNA position 694, T replaced by A.
Protein change: p.Ser232Thr; replaces serine 232 with threonine.
Molecular consequence: missense variant. On other transcripts: 5 prime UTR variant (2).
Genome position (GRCh38, 1-based): chr16:68,810,203, T>A. VCF-style: chr16-68810203-T-A. GRCh37 (hg19) VCF-style: chr16-68844106-T-A.
Other names: c.694T>A, p.Ser232Thr (NM_001317184.2); c.-922T>A (NM_001317185.2); c.-1126T>A (NM_001317186.2); short protein forms S232T.
Identifiers: ClinVar variation 2854095 (VCV002854095.3), dbSNP rs2152130997, ClinGen allele CA396458376.

ClinVar aggregate classification (germline): Uncertain significance (1 of 4 stars; one submission).

Conditions:
Hereditary diffuse gastric adenocarcinoma (HDGC). Also called: DIFFUSE GASTRIC AND LOBULAR BREAST CANCER SYNDROME. Identifiers: Orphanet 26106, MedGen C1708349, MONDO:0007648, OMIM 137215.

Submission:

Labcorp Genetics (formerly Invitae), Labcorp
Classification: Uncertain significance for Hereditary diffuse gastric adenocarcinoma. Last evaluated: 2023-04-09. Review status: criteria provided, single submitter. Criteria: Invitae Variant Classification Sherloc (09022015). Collection method: clinical testing. Allele origin: germline.
Comment: In summary, the available evidence is currently insufficient to determine the role of this variant in disease. Therefore, it has been classified as a Variant of Uncertain Significance. An algorithm developed to predict the effect of missense changes on protein structure and function (PolyPhen-2) suggests that this variant is likely to be disruptive. This variant has not been reported in the literature in individuals affected with CDH1-related conditions. This variant is not present in population databases (gnomAD no frequency). This sequence change replaces serine, which is neutral and polar, with threonine, which is neutral and polar, at codon 232 of the CDH1 protein (p.Ser232Thr).